The following is an entry in ClinVar:

GRCh38/hg38 4p16.3(chr4:72555-620625)x1

Genes: MIR571 (microRNA 571; plus strand), PIGG (phosphatidylinositol glycan anchor biosynthesis class G (EMM blood group); plus strand), TMEM271 (transmembrane protein 271; minus strand), ZNF141 (zinc finger protein 141; plus strand), ZNF595 (zinc finger protein 595; plus strand) and 13 more. Cytogenetic location: 4p16.3.
Variant type: copy number loss.
Change: copy number 1 (one copy instead of two) of chr4:72,555-620,625 (548.1 kb, GRCh38 coordinates, 1-based), cytogenetic band 4p16.3.
Identifiers: ClinVar variation 60161 (VCV000060161.1).

ClinVar aggregate classification (germline): Uncertain significance (1 of 4 stars; one submission).

Submission:

ISCA site 14
Classification: Uncertain significance. Last evaluated: 2011-08-12. Review status: criteria provided, single submitter. Criteria: Kaminsky et al. (Genet Med. 2011). Collection method: clinical testing. Allele origin: maternal. Affected: yes. Observed: 1 variant allele.
Comment: Copy number variation identified through the course of routine clinical cytogenomic testing in postnatal populations. Clinical assertions have been curated as described in Kaminsky et al. 2011.